The following is an entry in ClinVar:

ClinVar aggregate classification (germline): Pathogenic (1 of 4 stars; one submission).

Submission:

Labcorp Genetics (formerly Invitae), Labcorp
Classification: Pathogenic. Last evaluated: 2023-07-10. Review status: criteria provided, single submitter. Criteria: Invitae Variant Classification Sherloc (09022015). Collection method: clinical testing. Allele origin: germline.
Comment: For these reasons, this variant has been classified as Pathogenic. This variant has not been reported in the literature in individuals affected with HPS3-related conditions. This sequence change creates a premature translational stop signal (p.Ala484Leufs*8) in the HPS3 gene. It is expected to result in an absent or disrupted protein product. Loss-of-function variants in HPS3 are known to be pathogenic (PMID: 11590544). This variant is present in population databases (no rsID available, gnomAD 0.01%).

Literature cited by the submitters: PubMed 11590544.

NM_032383.5(HPS3):c.1450del (p.Ala484fs)

Gene: HPS3 (HPS3 biogenesis of lysosomal organelles complex 2 subunit 1; plus strand). Cytogenetic location: 3q24.
Variant type: Deletion.
Coding change: c.1450del on transcript NM_032383.5 (MANE Select); coding-DNA position 1450, one base deleted (G; older notation c.1450delG).
Protein change: p.Ala484fs; shifts the reading frame from alanine 484.
Molecular consequence: frameshift variant.
Genome position (GRCh38, 1-based): chr3:149,155,156, G deleted; the last of 2 consecutive G bases (chr3:149,155,155-149,155,156); deleting either gives the same sequence. VCF-style (leftmost placement, unchanged base first): chr3-149155154-AG-A. GRCh37 (hg19) VCF-style: chr3-148872941-AG-A.
Other names: c.955del, p.Ala319fs (NM_001308258.2); short protein forms A484fs, A319fs.
Identifiers: ClinVar variation 2781957 (VCV002781957.3), dbSNP rs1465275638, ClinGen allele CA546938664.